The following is an entry in ClinVar:

ClinVar aggregate classification (germline): Uncertain significance (1 of 4 stars; one submission).

Submission:

Women's Health and Genetics/Laboratory Corporation of America, LabCorp
Classification: Uncertain significance. Last evaluated: 2021-03-18. Review status: criteria provided, single submitter. Criteria: LabCorp Variant Classification Summary - May 2015. Collection method: clinical testing. Allele origin: germline.
Comment: Variant summary: The variant identified by MLPA or other technology involves the duplication of exons 22-50 in the DMD gene. A presumed nomenclature of c.(2803+1_2804-1)_(7309+1_7310-1)dup has been designated for the purposes of this classification. It has been assumed that this is a tandem duplication in direct orientation (Richardson_GIM_2018, Newman_AJHG_2015). Although exact breakpoints of this duplication are not known, it is expected to result in a large in-frame duplication change in the DMD gene. The variant was absent in approximately 16000 control chromosomes (gnomAD Structural Variants database). The available data on variant occurrences in the general population are insufficient to allow any conclusion about variant significance. To our knowledge, no occurrence of c.(2803+1_2804-1)_(7309+1_7310-1)dup in individuals affected with Dystrophinopathies and no experimental evidence demonstrating its impact on protein function have been reported. No clinical diagnostic laboratories have submitted clinical-significance assessments for this variant to ClinVar after 2014. Based on the evidence outlined above, the variant was classified as uncertain significance.

NC_000023.10:g.(31792310_31838091)_(32490427_32503035)dup

Gene: DMD (dystrophin; minus strand). Cytogenetic location: Xp21.1.
Variant type: Duplication.
Identifiers: ClinVar variation 1050830 (VCV001050830.1).